The following is an entry in ClinVar:

ClinVar aggregate classification (germline): Conflicting classifications of pathogenicity. Review status: criteria provided, conflicting classifications (1 of 4 stars). 9 submissions from 9 submitters: Uncertain significance (2); Likely benign (4). 3 of the submissions do not count toward it. Last evaluated 2026-02-01.

Conditions:
ADGRV1-related disorder. Also called: ADGRV1-related condition; ADGRV1-related disorders.

Allele frequency attached by ClinVar (database versions not stated): ESP Exome Variant Server 0.00008; gnomAD 0.00009; TOPMed 0.00010; gnomAD exomes 0.00012 and 0.00013; ExAC 0.00015.
gnomAD v4.1: 212 of 1,613,930 alleles (0.013%); highest among the groups gnomAD compares: Middle Eastern, 0.51%; 1 homozygote.

Submissions (9):

Labcorp Genetics (formerly Invitae), Labcorp
Classification: Likely benign. Last evaluated: 2026-02-01. Review status: criteria provided, single submitter. Criteria: Invitae Variant Classification Sherloc (09022015). Collection method: clinical testing. Allele origin: germline.

Blueprint Genetics
Classification: Likely benign. Last evaluated: 2024-10-29. Review status: criteria provided, single submitter. Criteria: ACMG Guidelines, 2015. Collection method: clinical testing. Allele origin: germline.

Athena Diagnostics
Classification: Uncertain significance. Last evaluated: 2019-03-04. Review status: criteria provided, single submitter. Criteria: Athena Diagnostics Criteria. Collection method: clinical testing. Allele origin: germline.

GeneDx
Classification: Likely benign. Last evaluated: 2017-11-17. Review status: criteria provided, single submitter. Criteria: GeneDx Variant Classification (06012015). Collection method: clinical testing. Allele origin: germline. Affected: yes.
Comment: This variant is considered likely benign or benign based on one or more of the following criteria: it is a conservative change, it occurs at a poorly conserved position in the protein, it is predicted to be benign by multiple in silico algorithms, and/or has population frequency not consistent with disease.

Eurofins Ntd Llc (ga)
Classification: Uncertain significance. Last evaluated: 2015-12-07. Review status: criteria provided, single submitter. Criteria: EGL Classification Definitions 2015. Collection method: clinical testing. Allele origin: germline. Observed: 1 variant allele, 1 heterozygote.

Laboratory for Molecular Medicine, Mass General Brigham Personalized Medicine
Classification: Likely benign. Last evaluated: 2015-03-04. Review status: criteria provided, single submitter. Criteria: LMM Criteria. Collection method: clinical testing. Allele origin: germline. Observed: 2 variant alleles.
Comment: p.Ala4791Ala in exon 70 of GPR98: This variant is not expected to have clinical significance because it does not alter an amino acid residue and is not located within the splice consensus sequence. In addition, it has been identified in 12/ 65972 European chromosomes by the Exome Aggregation Consortium (ExAC; dbSNP rs375062187).

PreventionGenetics, part of Exact Sciences
Classification: Likely benign for ADGRV1-related condition. Last evaluated: 2024-07-15. Review status: no assertion criteria provided. Collection method: clinical testing. Allele origin: germline. Not counted in ClinVar's aggregate classification.
Comment: This variant is classified as likely benign based on ACMG/AMP sequence variant interpretation guidelines (Richards et al. 2015 PMID: 25741868, with internal and published modifications).

Clinical Genetics, Academic Medical Center
Classification: Likely benign. Review status: no assertion criteria provided. Collection method: clinical testing. Allele origin: germline. Affected: yes. Study: VKGL Data-share Consensus. Not counted in ClinVar's aggregate classification.

Genome Diagnostics Laboratory, University Medical Center Utrecht
Classification: Likely benign. Review status: no assertion criteria provided. Collection method: clinical testing. Allele origin: germline. Affected: yes. Study: VKGL Data-share Consensus. Not counted in ClinVar's aggregate classification.

NM_032119.4(ADGRV1):c.14373T>A (p.Ala4791=)

Gene: ADGRV1 (adhesion G protein-coupled receptor V1; plus strand). Cytogenetic location: 5q14.3.
Variant type: single nucleotide variant.
Coding change: c.14373T>A on transcript NM_032119.4 (MANE Select); coding-DNA position 14373, T replaced by A.
Protein change: p.Ala4791=; no amino-acid change (alanine 4791 retained).
Molecular consequence: synonymous variant. On other transcripts: non-coding transcript variant (1).
Genome position (GRCh38, 1-based): chr5:90,791,202, T>A. VCF-style: chr5-90791202-T-A. GRCh37 (hg19) VCF-style: chr5-90087019-T-A.
Identifiers: ClinVar variation 227393 (VCV000227393.24), dbSNP rs375062187, ClinGen allele CA3341715.